The following is an entry in ClinVar:

ClinVar aggregate classification (germline): Pathogenic (1 of 4 stars; one submission).

Allele frequency attached by ClinVar (database versions not stated): TOPMed below 0.00001; gnomAD 0.00001.

Submission:

Labcorp Genetics (formerly Invitae), Labcorp
Classification: Pathogenic. Last evaluated: 2023-03-18. Review status: criteria provided, single submitter. Criteria: Invitae Variant Classification Sherloc (09022015). Collection method: clinical testing. Allele origin: germline.
Comment: This variant is not present in population databases (gnomAD no frequency). This sequence change creates a premature translational stop signal (p.Gln707Profs*27) in the LIFR gene. It is expected to result in an absent or disrupted protein product. Loss-of-function variants in LIFR are known to be pathogenic (PMID: 14740318). This variant has not been reported in the literature in individuals affected with LIFR-related conditions. For these reasons, this variant has been classified as Pathogenic. ClinVar contains an entry for this variant (Variation ID: 2031867).

Literature cited by the submitters: PubMed 14740318.

NM_001127671.2(LIFR):c.2119dup (p.Gln707fs)

Gene: LIFR (LIF receptor subunit alpha; minus strand). Cytogenetic location: 5p13.1.
Variant type: Duplication.
Coding change: c.2119dup on transcript NM_001127671.2 (MANE Select); coding-DNA position 2119, one base duplicated (C; older notation c.2119dupC).
Protein change: p.Gln707fs; shifts the reading frame from glutamine 707.
Molecular consequence: frameshift variant.
Genome position (GRCh38, 1-based): chr5:38,490,238, G duplicated on the plus strand (C on the coding strand, the reverse complement: LIFR is on the minus strand). VCF-style (leftmost placement, unchanged base first): chr5-38490237-T-TG. GRCh37 (hg19) VCF-style: chr5-38490339-T-TG.
Other names: c.2119dup, p.Gln707fs (NM_001364297.2, NM_001364298.2, NM_002310.6); short protein forms Q707fs.
Identifiers: ClinVar variation 2031867 (VCV002031867.4), dbSNP rs1744509983, ClinGen allele CA1075211187.